The following is an entry in ClinVar:

NM_001283009.2(RTEL1):c.987C>G (p.Ile329Met)

Genes: RTEL1 (regulator of telomere elongation helicase 1; plus strand), RTEL1-TNFRSF6B (RTEL1-TNFRSF6B readthrough (NMD candidate); plus strand). Cytogenetic location: 20q13.33.
Variant type: single nucleotide variant.
Coding change: c.987C>G on transcript NM_001283009.2 (MANE Select); coding-DNA position 987, C replaced by G.
Protein change: p.Ile329Met; replaces isoleucine 329 with methionine.
Molecular consequence: missense variant. On other transcripts: non-coding transcript variant (1).
Genome position (GRCh38, 1-based): chr20:63,678,296, C>G. VCF-style: chr20-63678296-C-G. GRCh37 (hg19) VCF-style: chr20-62309649-C-G.
Other names: c.318C>G, p.Ile106Met (NM_001283010.1); c.987C>G, p.Ile329Met (NM_016434.4); c.1059C>G, p.Ile353Met (NM_032957.5); short protein forms I329M, I353M, I106M.
Identifiers: ClinVar variation 4844078 (VCV004844078.1).

ClinVar aggregate classification (germline): Uncertain significance (1 of 4 stars; one submission).

Conditions:
Inborn genetic diseases. Identifiers: MedGen C0950123, MeSH D030342.

Submission:

Ambry Genetics
Classification: Uncertain significance for Inborn genetic diseases. Last evaluated: 2025-12-26. Review status: criteria provided, single submitter. Criteria: Ambry Variant Classification Scheme 2023. Collection method: clinical testing. Allele origin: germline.
Comment: The p.I329M variant (also known as c.987C>G), located in coding exon 11 of the RTEL1 gene, results from a C to G substitution at nucleotide position 987. The isoleucine at codon 329 is replaced by methionine, an amino acid with highly similar properties. This amino acid position is conserved. In addition, the in silico prediction for this alteration is inconclusive. Based on the available evidence, the clinical significance of this variant remains unclear.